The following is an entry in ClinVar:

NM_001042492.3(NF1):c.3571A>C (p.Thr1191Pro)

Gene: NF1 (neurofibromin 1; plus strand). Cytogenetic location: 17q11.2.
Variant type: single nucleotide variant.
Coding change: c.3571A>C on transcript NM_001042492.3 (MANE Select); coding-DNA position 3571, A replaced by C.
Protein change: p.Thr1191Pro; replaces threonine 1191 with proline.
Molecular consequence: missense variant.
Genome position (GRCh38, 1-based): chr17:31,233,076, A>C. VCF-style: chr17-31233076-A-C. GRCh37 (hg19) VCF-style: chr17-29560094-A-C.
Other names: c.3571A>C, p.Thr1191Pro (NM_000267.4); short protein forms T1191P.
Identifiers: ClinVar variation 4800752 (VCV004800752.1).

ClinVar aggregate classification (germline): Pathogenic (1 of 4 stars; one submission).

Conditions:
Neurofibromatosis, type 1 (NF1). Also called: VON RECKLINGHAUSEN DISEASE; Neurofibromatosis, type I; NEUROFIBROMATOSIS, TYPE I, SOMATIC; Peripheral type neurofibromatosis. Identifiers: Orphanet 636, MedGen C0027831, MONDO:0018975, OMIM 162200. Disease mechanism: loss of function.

Submission:

Labcorp Genetics (formerly Invitae), Labcorp
Classification: Pathogenic for Neurofibromatosis, type 1. Last evaluated: 2025-08-28. Review status: criteria provided, single submitter. Criteria: Invitae Variant Classification Sherloc (09022015). Collection method: clinical testing. Allele origin: germline.
Comment: This sequence change replaces threonine, which is neutral and polar, with proline, which is neutral and non-polar, at codon 1191 of the NF1 protein (p.Thr1191Pro). This variant is not present in population databases (gnomAD no frequency). This missense change has been observed in individual(s) with clinical features of neurofibromatosis type 1 (internal data). Invitae Evidence Modeling of protein sequence and biophysical properties (such as structural, functional, and spatial information, amino acid conservation, physicochemical variation, residue mobility, and thermodynamic stability) indicates that this missense variant is expected to disrupt NF1 protein function with a positive predictive value of 95%. This variant disrupts the p.Thr1191 amino acid residue in NF1. Other variant(s) that disrupt this residue have been determined to be pathogenic (PMID: 23047742, 35240321). This suggests that this residue is clinically significant, and that variants that disrupt this residue are likely to be disease-causing. For these reasons, this variant has been classified as Pathogenic.

Literature cited by the submitters: PubMed 23047742; PubMed 35240321.